The following is an entry in ClinVar:

ClinVar aggregate classification (germline): Benign. Review status: criteria provided, multiple submitters, no conflicts (2 of 4 stars). 2 submissions from 2 submitters: Benign (2). Last evaluated 2018-01-13.

Conditions:
Retinal cone dystrophy 4 (RCD4). Identifiers: Orphanet 1872, MedGen C1864849, MONDO:0012507, OMIM 610478.

Allele frequency attached by ClinVar (database versions not stated): 1000 Genomes Project 30x 0.04575; 1000 Genomes Project 0.04633; gnomAD exomes 0.08221; TOPMed 0.08615; gnomAD 0.09312 and 0.09393.
gnomAD v4.1: 14,950 of 161,114 alleles (9.3%); highest among the groups gnomAD compares: Middle Eastern, 17%; 941 homozygotes.

Submissions (2):

Illumina Laboratory Services, Illumina
Classification: Benign for Retinal cone dystrophy 4. Last evaluated: 2018-01-13. Review status: criteria provided, single submitter. Criteria: ICSL Variant Classification Criteria 13 December 2019. Collection method: clinical testing. Allele origin: germline.
Comment: This variant was observed in the ICSL laboratory as part of a predisposition screen in an ostensibly healthy population. It had not been previously curated by ICSL or reported in the Human Gene Mutation Database (HGMD: prior to June 1st, 2018), and was therefore a candidate for classification through an automated scoring system. Utilizing variant allele frequency, disease prevalence and penetrance estimates, and inheritance mode, an automated score was calculated to assess if this variant is too frequent to cause the disease. Based on the score and internal cut-off values, a variant classified as benign is not then subjected to further curation. The score for this variant resulted in a classification of benign for this disease.

Breakthrough Genomics
Classification: Benign. Review status: criteria provided, single submitter. Criteria: ACMG Guidelines, 2015. Collection method: not provided. Allele origin: germline. Inheritance: Autosomal recessive inheritance. Affected: yes.

NM_172364.5(CACNA2D4):c.*463G>A

Gene: CACNA2D4 (calcium voltage-gated channel auxiliary subunit alpha2delta 4; minus strand). Cytogenetic location: 12p13.33.
Variant type: single nucleotide variant.
Coding change: c.*463G>A on transcript NM_172364.5 (MANE Select); 463 bases downstream of the stop codon, G replaced by A.
Molecular consequence: 3 prime UTR variant.
Genome position (GRCh38, 1-based): chr12:1,793,192, C>T on the plus strand (G>A on the coding strand, the complement: CACNA2D4 is on the minus strand). VCF-style: chr12-1793192-C-T. GRCh37 (hg19) VCF-style: chr12-1902358-C-T.
Identifiers: ClinVar variation 307823 (VCV000307823.6), dbSNP rs73041888, ClinGen allele CA10632312.